The following is an entry in ClinVar:

ClinVar aggregate classification (germline): Pathogenic (1 of 4 stars; one submission).

Conditions:
Cardiac arrhythmia. Also called: Cardiac rhythm disease; Arrhythmia. Identifiers: MedGen C0003811, MONDO:0007263, HP:0011675.

Submission:

Color Diagnostics, LLC DBA Color Health
Classification: Pathogenic for Cardiac arrhythmia. Last evaluated: 2019-05-22. Review status: criteria provided, single submitter. Criteria: ACMG Guidelines, 2015. Collection method: clinical testing. Allele origin: germline.
Comment: This variant deletes 1 nucleotide in exon 10 of the KCNQ1 gene, creating a frameshift and premature translation stop signal. This variant is expected to result in an absent or non-functional protein product. Computational splicing tools suggest that this variant may not impact RNA splicing. To our knowledge, functional assays have not been performed for this variant nor has this variant been reported in individuals affected with cardiovascular disorders in the literature. This variant has not been identified in the general population by the Genome Aggregation Database (gnomAD). Loss of KCNQ1 function is a known mechanism of disease. Based on available evidence, this variant is classified as Pathogenic.

NM_000218.3(KCNQ1):c.1330del (p.Thr444fs)

Gene: KCNQ1 (potassium voltage-gated channel subfamily Q member 1; plus strand). Cytogenetic location: 11p15.5.
Variant type: Deletion.
Coding change: c.1330del on transcript NM_000218.3 (MANE Select); coding-DNA position 1330, one base deleted (A; older notation c.1330delA).
Protein change: p.Thr444fs; shifts the reading frame from threonine 444.
Molecular consequence: frameshift variant.
Genome position (GRCh38, 1-based): chr11:2,588,791, A deleted. VCF-style (leftmost placement, unchanged base first): chr11-2588790-CA-C. GRCh37 (hg19) VCF-style: chr11-2610020-CA-C.
Other names: c.1330delA, p.Thr444Argfs (NM_000218.2); c.1234delA, p.Thr412Argfs (NM_001406836.1); c.1060delA, p.Thr354Argfs (NM_001406837.1); c.790delA, p.Thr264Argfs (NM_001406838.1); c.949delA, p.Thr317Argfs (NM_181798.2); short protein forms T317fs, T444fs.
Identifiers: ClinVar variation 925351 (VCV000925351.6), dbSNP rs1848631108, ClinGen allele CA913203391.